The following is an entry in ClinVar:

NM_007348.4(ATF6):c.41C>A (p.Pro14His)

Gene: ATF6 (activating transcription factor 6; plus strand). Cytogenetic location: 1q23.3.
Variant type: single nucleotide variant.
Coding change: c.41C>A on transcript NM_007348.4 (MANE Select); coding-DNA position 41, C replaced by A.
Protein change: p.Pro14His; replaces proline 14 with histidine.
Molecular consequence: missense variant.
Genome position (GRCh38, 1-based): chr1:161,766,401, C>A. VCF-style: chr1-161766401-C-A. GRCh37 (hg19) VCF-style: chr1-161736191-C-A.
Other names: short protein forms P14H.
Identifiers: ClinVar variation 1056938 (VCV001056938.3), dbSNP rs540411870, ClinGen allele CA1214070.

ClinVar aggregate classification (germline): Uncertain significance. Review status: criteria provided, multiple submitters, no conflicts (2 of 4 stars). 2 submissions from 2 submitters: Uncertain significance (2). Last evaluated 2022-10-14.

Allele frequency attached by ClinVar (database versions not stated): ExAC 0.00002; gnomAD exomes 0.00002; gnomAD 0.00003; TOPMed 0.00003; 1000 Genomes Project 30x 0.00016; 1000 Genomes Project 0.00020.
gnomAD v4.1: 41 of 1,613,596 alleles (0.0025%); highest among the groups gnomAD compares: Non-Finnish European, 0.0033%; no homozygotes.

Submissions (2):

Labcorp Genetics (formerly Invitae), Labcorp
Classification: Uncertain significance. Last evaluated: 2022-10-14. Review status: criteria provided, single submitter. Criteria: Invitae Variant Classification Sherloc (09022015). Collection method: clinical testing. Allele origin: germline.
Comment: This sequence change replaces proline, which is neutral and non-polar, with histidine, which is basic and polar, at codon 14 of the ATF6 protein (p.Pro14His). This variant is present in population databases (rs540411870, gnomAD 0.004%). This variant has not been reported in the literature in individuals affected with ATF6-related conditions. ClinVar contains an entry for this variant (Variation ID: 1056938). Algorithms developed to predict the effect of missense changes on protein structure and function are either unavailable or do not agree on the potential impact of this missense change (SIFT: "Deleterious"; PolyPhen-2: "Benign"; Align-GVGD: "Class C0"). In summary, the available evidence is currently insufficient to determine the role of this variant in disease. Therefore, it has been classified as a Variant of Uncertain Significance.

Blueprint Genetics
Classification: Uncertain significance. Last evaluated: 2022-06-13. Review status: criteria provided, single submitter. Criteria: ACMG Guidelines, 2015. Collection method: clinical testing. Allele origin: germline.